The following is an entry in ClinVar:

NM_000038.6(APC):c.5257G>A (p.Ala1753Thr)

Gene: APC (APC regulator of Wnt signaling pathway; plus strand). Cytogenetic location: 5q22.2.
Variant type: single nucleotide variant.
Coding change: c.5257G>A on transcript NM_000038.6 (MANE Select); coding-DNA position 5257, G replaced by A.
Protein change: p.Ala1753Thr; replaces alanine 1753 with threonine.
Molecular consequence: missense variant.
Genome position (GRCh38, 1-based): chr5:112,840,851, G>A. VCF-style: chr5-112840851-G-A. GRCh37 (hg19) VCF-style: chr5-112176548-G-A.
Other names: c.5257G>A, p.Ala1753Thr (NM_001127510.3, NM_001354895.2); c.5203G>A, p.Ala1735Thr (NM_001127511.3); c.5311G>A, p.Ala1771Thr (NM_001354896.2); c.5287G>A, p.Ala1763Thr (NM_001354897.2); c.5182G>A, p.Ala1728Thr (NM_001354898.2); c.5173G>A, p.Ala1725Thr (NM_001354899.2); c.5134G>A, p.Ala1712Thr (NM_001354900.2); c.5080G>A, p.Ala1694Thr (NM_001354901.2); and 5 more; short protein forms A1627T, A1694T, A1725T, A1470T, A1593T, A1728T, A1753T, A1763T.
Identifiers: ClinVar variation 665391 (VCV000665391.14), dbSNP rs587781350, ClinGen allele CA16032829.

ClinVar aggregate classification (germline): Uncertain significance. Review status: criteria provided, multiple submitters, no conflicts (2 of 4 stars). 4 submissions from 4 submitters: Uncertain significance (4). Last evaluated 2025-08-24.

Conditions:
Familial adenomatous polyposis 1 (FAP1). Also called: FAMILIAL ADENOMATOUS POLYPOSIS 1, ATTENUATED; POLYPOSIS, ADENOMATOUS INTESTINAL. Identifiers: MedGen C2713442, MONDO:0021056, OMIM 175100. Disease mechanism: loss of function.
Classic or attenuated familial adenomatous polyposis. Identifiers: MedGen CN372698, MONDO:0021057.
Hereditary cancer-predisposing syndrome. Also called: Neoplastic Syndromes, Hereditary; Hereditary Cancer Syndrome; Tumor predisposition; Hereditary neoplastic syndrome. Identifiers: Orphanet 140162, MedGen C0027672, MeSH D009386, MONDO:0015356.

gnomAD v4.1: 4 of 1,614,118 alleles (0.00025%); highest among the groups gnomAD compares: Middle Eastern, 0.016%; no homozygotes.

Submissions (4):

Labcorp Genetics (formerly Invitae), Labcorp
Classification: Uncertain significance for Familial adenomatous polyposis 1. Last evaluated: 2025-08-24. Review status: criteria provided, single submitter. Criteria: Invitae Variant Classification Sherloc (09022015). Collection method: clinical testing. Allele origin: germline.
Comment: This sequence change replaces alanine, which is neutral and non-polar, with threonine, which is neutral and polar, at codon 1753 of the APC protein (p.Ala1753Thr). This variant is not present in population databases (gnomAD no frequency). This variant has not been reported in the literature in individuals affected with APC-related conditions. ClinVar contains an entry for this variant (Variation ID: 665391). Invitae Evidence Modeling of protein sequence and biophysical properties (such as structural, functional, and spatial information, amino acid conservation, physicochemical variation, residue mobility, and thermodynamic stability) indicates that this missense variant is not expected to disrupt APC protein function with a negative predictive value of 95%. In summary, the available evidence is currently insufficient to determine the role of this variant in disease. Therefore, it has been classified as a Variant of Uncertain Significance.

All of Us Research Program, National Institutes of Health
Classification: Uncertain significance for Classic or attenuated familial adenomatous polyposis. Last evaluated: 2024-01-03. Review status: criteria provided, single submitter. Criteria: ACMG Guidelines, 2015. Collection method: clinical testing. Allele origin: germline. Inheritance: Autosomal dominant inheritance. Observed: 1 variant allele, 1 heterozygote.
Comment: This missense variant replaces alanine with threonine at codon 1753 of the APC protein. Computational prediction suggests that this variant may not impact protein structure and function (internally defined REVEL score threshold <= 0.5, PMID: 27666373). To our knowledge, functional studies have not been reported for this variant. This variant has not been reported in individuals affected with APC-related disorders in the literature. This variant has not been identified in the general population by the Genome Aggregation Database (gnomAD). The available evidence is insufficient to determine the role of this variant in disease conclusively. Therefore, this variant is classified as a Variant of Uncertain Significance.

This study involves interpretation of variants in research participants for the purpose of population health screening. Participant phenotype was not available at the time of variant classification. Additional details can be found in publication PMID: 35346344, PMCID: PMC8962531

Blueprint Genetics
Classification: Uncertain significance. Last evaluated: 2023-09-14. Review status: criteria provided, single submitter. Criteria: ACMG Guidelines, 2015. Collection method: clinical testing. Allele origin: germline.

Ambry Genetics
Classification: Uncertain significance for Hereditary cancer-predisposing syndrome. Last evaluated: 2021-02-11. Review status: criteria provided, single submitter. Criteria: Ambry Variant Classification Scheme 2023. Collection method: clinical testing. Allele origin: germline.
Comment: The p.A1753T variant (also known as c.5257G>A), located in coding exon 15 of the APC gene, results from a G to A substitution at nucleotide position 5257. The alanine at codon 1753 is replaced by threonine, an amino acid with similar properties. This amino acid position is well conserved in available vertebrate species. In addition, in silico predictors for this gene do not accurately predict pathogenicity. Since supporting evidence is limited at this time, the clinical significance of this alteration remains unclear.